The following is an entry in ClinVar:

NM_000334.4(SCN4A):c.4382T>G (p.Leu1461Arg)

Genes: GH-LCR (growth hormone locus control region; plus strand), SCN4A (sodium voltage-gated channel alpha subunit 4; minus strand). Cytogenetic location: 17q23.3.
Variant type: single nucleotide variant.
Coding change: c.4382T>G on transcript NM_000334.4 (MANE Select); coding-DNA position 4382, T replaced by G.
Protein change: p.Leu1461Arg; replaces leucine 1461 with arginine.
Molecular consequence: missense variant.
Genome position (GRCh38, 1-based): chr17:63,941,900, A>C on the plus strand (T>G on the coding strand, the complement: SCN4A is on the minus strand). VCF-style: chr17-63941900-A-C. GRCh37 (hg19) VCF-style: chr17-62019260-A-C.
Other names: short protein forms L1461R.
Identifiers: ClinVar variation 1301840 (VCV001301840.3), dbSNP rs2144774799, ClinGen allele CA400616126.

ClinVar aggregate classification (germline): Uncertain significance. Review status: criteria provided, single submitter (1 of 4 stars). 2 submissions from 1 submitter: Uncertain significance (1). 1 of the submissions does not count toward it. Last evaluated 2022-12-17.

Submissions (2):

Dubai Health Genomic Medicine Center, Dubai Health
Classification: Uncertain significance. Last evaluated: 2022-12-17. Review status: criteria provided, single submitter. Criteria: ACMG Guidelines, 2015. Collection method: clinical testing. Allele origin: germline. Affected: yes.

Dubai Health Genomic Medicine Center, Dubai Health
Classification: Uncertain significance. Last evaluated: 2019-12-15. Review status: flagged submission. Criteria: ACMG Guidelines, 2015. Collection method: clinical testing. Allele origin: germline. Affected: yes. Not counted in ClinVar's aggregate classification.
Comment: The missense p.L1461R variant in SCN4A (NM_000334.4) has not been previously reported in the literature and is absent from large population studies. This variant occurs in the ion channel domain of the protein where several other pathogenic variants have been reported. Specifically another missense variant at this position (p.L1461P) has been reported in a patient with myotonia (Mazon et al PMID: 22094069). In summary more information is needed to determine the clinical significance of this variant though based on the information above we lean more towards a likely pathogenic role.
ClinVar note: Reason: This record appears to be redundant with a more recent record from the same submitter.
ClinVar note: Notes: SCV001984719 appears to be redundant with SCV002774930.